The following is an entry in ClinVar:

NM_001034850.3(RETREG1):c.1229G>A (p.Ser410Asn)

Gene: RETREG1 (reticulophagy regulator 1; minus strand). Cytogenetic location: 5p15.1.
Variant type: single nucleotide variant.
Coding change: c.1229G>A on transcript NM_001034850.3 (MANE Select); coding-DNA position 1229, G replaced by A.
Protein change: p.Ser410Asn; replaces serine 410 with asparagine.
Molecular consequence: missense variant.
Genome position (GRCh38, 1-based): chr5:16,475,006, C>T on the plus strand (G>A on the coding strand, the complement: RETREG1 is on the minus strand). VCF-style: chr5-16475006-C-T. GRCh37 (hg19) VCF-style: chr5-16475115-C-T.
Other names: c.806G>A, p.Ser269Asn (NM_019000.5); short protein forms S269N, S410N.
Identifiers: ClinVar variation 3343257 (VCV003343257.1).

ClinVar aggregate classification (germline): Uncertain significance (1 of 4 stars; one submission).

gnomAD v4.1: 10 of 1,613,688 alleles (0.00062%); highest among the groups gnomAD compares: African/African-American, 0.013%; no homozygotes.

Submission:

GeneDx
Classification: Uncertain significance. Last evaluated: 2023-05-07. Review status: criteria provided, single submitter. Criteria: GeneDx Variant Classification Process June 2021. Collection method: clinical testing. Allele origin: germline. Affected: yes.
Comment: In silico analysis supports that this missense variant does not alter protein structure/function; Has not been previously published as pathogenic or benign to our knowledge